The following is an entry in ClinVar:

ClinVar aggregate classification (germline): Likely benign. Review status: criteria provided, multiple submitters, no conflicts (2 of 4 stars). 6 submissions from 6 submitters: Likely benign (5). 1 of the submissions does not count toward it. Last evaluated 2025-12-22.

Conditions:
Intellectual developmental disorder, X-linked 1. Also called: Intellectual disability, X-linked 1; Atkin Flaitz Patil Smith syndrome; MENTAL RETARDATION, X-LINKED 18; MENTAL RETARDATION, X-LINKED 78. Identifiers: Orphanet 777, MedGen C2931498, MONDO:0010656, OMIM 309530.
IQSEC2-related disorder. Also called: IQSEC2-related condition.
Inborn genetic diseases. Identifiers: MedGen C0950123, MeSH D030342.

Allele frequency attached by ClinVar (database versions not stated): gnomAD exomes 0.00006 and 0.00007; gnomAD 0.00033 and 0.00029; TOPMed 0.00069; ExAC 0.00014; 1000 Genomes Project 0.00079; 1000 Genomes Project 30x 0.00083.
gnomAD v4.1: 69 of 1,153,765 alleles (0.006%); highest among the groups gnomAD compares: Admixed American, 0.11%; 1 homozygote.

Submissions (6):

Labcorp Genetics (formerly Invitae), Labcorp
Classification: Likely benign for Intellectual developmental disorder, X-linked 1. Last evaluated: 2025-12-22. Review status: criteria provided, single submitter. Criteria: Invitae Variant Classification Sherloc (09022015). Collection method: clinical testing. Allele origin: germline.

Blueprint Genetics
Classification: Likely benign. Last evaluated: 2024-07-01. Review status: criteria provided, single submitter. Criteria: ACMG Guidelines, 2015. Collection method: clinical testing. Allele origin: germline.

CeGaT Center for Human Genetics Tuebingen
Classification: Likely benign. Last evaluated: 2022-04-01. Review status: criteria provided, single submitter. Criteria: CeGaT Center For Human Genetics Tuebingen Variant Classification Criteria Version 2. Collection method: clinical testing. Allele origin: germline. Affected: yes. Observed: 1 variant allele.
Comment: IQSEC2: BP4, BP7

GeneDx
Classification: Likely benign. Last evaluated: 2021-03-10. Review status: criteria provided, single submitter. Criteria: GeneDx Variant Classification Process June 2021. Collection method: clinical testing. Allele origin: germline. Affected: yes.

Ambry Genetics
Classification: Likely benign for Inborn genetic diseases. Last evaluated: 2016-10-18. Review status: criteria provided, single submitter. Criteria: Ambry Variant Classification Scheme 2023. Collection method: clinical testing. Allele origin: germline.

PreventionGenetics, part of Exact Sciences
Classification: Likely benign for IQSEC2-related condition. Last evaluated: 2022-08-10. Review status: no assertion criteria provided. Collection method: clinical testing. Allele origin: germline. Not counted in ClinVar's aggregate classification.
Comment: This variant is classified as likely benign based on ACMG/AMP sequence variant interpretation guidelines (Richards et al. 2015 PMID: 25741868, with internal and published modifications).

NM_001111125.3(IQSEC2):c.3669G>A (p.Pro1223=)

Gene: IQSEC2 (IQ motif and Sec7 domain ArfGEF 2; minus strand). Cytogenetic location: Xp11.22.
Variant type: single nucleotide variant.
Coding change: c.3669G>A on transcript NM_001111125.3 (MANE Select); coding-DNA position 3669, G replaced by A.
Protein change: p.Pro1223=; no amino-acid change (proline 1223 retained).
Molecular consequence: synonymous variant. On other transcripts: 3 prime UTR variant (1).
Genome position (GRCh38, 1-based): chrX:53,235,017, C>T on the plus strand (G>A on the coding strand, the complement: IQSEC2 is on the minus strand). VCF-style: chrX-53235017-C-T. GRCh37 (hg19) VCF-style: chrX-53264199-C-T.
Other names: c.*154G>A (NM_015075.2).
Identifiers: ClinVar variation 387552 (VCV000387552.42), dbSNP rs782744933, ClinGen allele CA10419781.
Genomic context (GRCh38, chrX:53,235,017, plus strand): 5'-GTGGTGGTGGTGGTGCGTGGAAGAAGCAGATGAAGAGGAGGCAGAGGCCTGGCCTGTTGG[C>T]GGTGGTGGCATCTGGAAGGGCCCCTTGCCCCGCTTGCTTCCAAATAGGGAGCCCAGGAAG-3'
Protein context (NP_001104595.1, residues 1213-1233): RGKGPFQMPP[Pro1223=]PTGQASASSS